The following is an entry in ClinVar:

NM_173628.4(DNAH17):c.13033T>C (p.Trp4345Arg)

Gene: DNAH17 (dynein axonemal heavy chain 17; minus strand). Cytogenetic location: 17q25.3.
Variant type: single nucleotide variant.
Coding change: c.13033T>C on transcript NM_173628.4 (MANE Select); coding-DNA position 13033, T replaced by C.
Protein change: p.Trp4345Arg; replaces tryptophan 4345 with arginine.
Molecular consequence: missense variant.
Genome position (GRCh38, 1-based): chr17:78,425,454, A>G on the plus strand (T>C on the coding strand, the complement: DNAH17 is on the minus strand). VCF-style: chr17-78425454-A-G. GRCh37 (hg19) VCF-style: chr17-76421535-A-G.
Other names: short protein forms W4345R.
Identifiers: ClinVar variation 3038096 (VCV003038096.2), dbSNP rs140378962, ClinGen allele CA8799677.
Genomic context (GRCh38, chr17:78,425,454, plus strand): 5'-TCATGTCCTCTCGGTTTTTCTTGGTCACCTCGACAGACAGACACATCTTGTCCAGGGGCC[A>G]CTCGTTCTTCCTGGCCATGGACTGCATGATGGCCGTGAGGAACGACTGGGGGTTGAAGAA-3'
Protein context (NP_775899.3, residues 4335-4355): IMQSMARKNE[Trp4345Arg]PLDKMCLSVE

ClinVar aggregate classification (germline): Benign (0 of 4 stars; one submission).

Conditions:
DNAH17-related disorder. Also called: DNAH17-related condition.

Allele frequency attached by ClinVar (database versions not stated): gnomAD exomes 0.00032; ExAC 0.00101; gnomAD 0.00298; 1000 Genomes Project 0.00339; TOPMed 0.00357; 1000 Genomes Project 30x 0.00375; ESP Exome Variant Server 0.00384.
gnomAD v4.1: 947 of 1,613,956 alleles (0.059%); highest among the groups gnomAD compares: African/African-American, 1.1%; 5 homozygotes.

Submission:

PreventionGenetics, part of Exact Sciences
Classification: Benign for DNAH17-related condition. Last evaluated: 2020-01-02. Review status: no assertion criteria provided. Collection method: clinical testing. Allele origin: germline.
Comment: This variant is classified as benign based on ACMG/AMP sequence variant interpretation guidelines (Richards et al. 2015 PMID: 25741868, with internal and published modifications).